The following is an entry in ClinVar:

NM_182961.4(SYNE1):c.24038A>G (p.Asp8013Gly)

Gene: SYNE1 (spectrin repeat containing nuclear envelope protein 1; minus strand). Cytogenetic location: 6q25.2.
Variant type: single nucleotide variant.
Coding change: c.24038A>G on transcript NM_182961.4 (MANE Select); coding-DNA position 24038, A replaced by G.
Protein change: p.Asp8013Gly; replaces aspartic acid 8013 with glycine.
Molecular consequence: missense variant.
Genome position (GRCh38, 1-based): chr6:152,154,983, T>C on the plus strand (A>G on the coding strand, the complement: SYNE1 is on the minus strand). VCF-style: chr6-152154983-T-C. GRCh37 (hg19) VCF-style: chr6-152476118-T-C.
Other names: c.644A>G, p.Asp215Gly (NM_001347701.2); c.503A>G, p.Asp168Gly (NM_001347702.2); c.23825A>G, p.Asp7942Gly (NM_033071.5); short protein forms D7942G, D8013G, D168G, D215G.
Identifiers: ClinVar variation 1346910 (VCV001346910.5), dbSNP rs766207775, ClinGen allele CA4053274.
Genomic context (GRCh38, chr6:152,154,983, plus strand): 5'-GTATAGATCACCCCAGAAGAGCTGGGAAAAGCAGCTGTCCTTTCTGAAGACTTCAGCCAA[T>C]CTTCAAAACGTGAATAGTCATCCAGAAATTTCTGCCACAATCGCCACGTCTCTTCGATTC-3'
Protein context (NP_892006.3, residues 8003-8023): KFLDDYSRFE[Asp8013Gly]WLKSSERTAA

ClinVar aggregate classification (germline): Uncertain significance (1 of 4 stars; one submission).

Conditions:
Autosomal recessive ataxia, Beauce type. Also called: SYNE1-Related Autosomal Recessive Cerebellar Ataxia; SYNE1 Deficiency; Spinocerebellar ataxia, autosomal recessive 8; ATAXIA, RECESSIVE, OF BEAUCE. Identifiers: Orphanet 88644, MedGen C1853116, MONDO:0012549, OMIM 610743.
Emery-Dreifuss muscular dystrophy 4, autosomal dominant (EDMD4). Also called: EMERY-DREIFUSS MUSCULAR DYSTROPHY 4 WITH VARIABLE FEATURES. Identifiers: Orphanet 261, MedGen C2751807, MONDO:0013071, OMIM 612998.

Allele frequency attached by ClinVar (database versions not stated): ExAC 0.00002; gnomAD exomes 0.00002 and 0.00004; TOPMed 0.00002; gnomAD 0.00003.
gnomAD v4.1: 59 of 1,614,078 alleles (0.0037%); highest among the groups gnomAD compares: Non-Finnish European, 0.0047%; no homozygotes.

Submission:

Labcorp Genetics (formerly Invitae), Labcorp
Classification: Uncertain significance for Emery-Dreifuss muscular dystrophy 4, autosomal dominant; Autosomal recessive ataxia, Beauce type. Last evaluated: 2026-01-05. Review status: criteria provided, single submitter. Criteria: Invitae Variant Classification Sherloc (09022015). Collection method: clinical testing. Allele origin: germline.
Comment: This sequence change replaces aspartic acid, which is acidic and polar, with glycine, which is neutral and non-polar, at codon 7942 of the SYNE1 protein (p.Asp7942Gly). This variant is present in population databases (rs766207775, gnomAD 0.006%). This variant has not been reported in the literature in individuals affected with SYNE1-related conditions. ClinVar contains an entry for this variant (Variation ID: 1346910). An algorithm developed to predict the effect of missense changes on protein structure and function (PolyPhen-2) suggests that this variant is likely to be disruptive. In summary, the available evidence is currently insufficient to determine the role of this variant in disease. Therefore, it has been classified as a Variant of Uncertain Significance.